The following is an entry in ClinVar:

ClinVar aggregate classification (germline): Likely benign (1 of 4 stars; one submission).

Submission:

CeGaT Center for Human Genetics Tuebingen
Classification: Likely benign. Last evaluated: 2024-09-01. Review status: criteria provided, single submitter. Criteria: CeGaT Center For Human Genetics Tuebingen Variant Classification Criteria Version 2. Collection method: clinical testing. Allele origin: germline. Affected: yes. Observed: 1 variant allele.
Comment: PLIN4: BP4, BP7

NM_001367868.2(PLIN4):c.2178A>G (p.Leu726=)

Gene: PLIN4 (perilipin 4; minus strand). Cytogenetic location: 19p13.3.
Variant type: single nucleotide variant.
Coding change: c.2178A>G on transcript NM_001367868.2 (MANE Select); coding-DNA position 2178, A replaced by G.
Protein change: p.Leu726=; no amino-acid change (leucine 726 retained).
Molecular consequence: synonymous variant.
Genome position (GRCh38, 1-based): chr19:4,511,782, T>C on the plus strand (A>G on the coding strand, the complement: PLIN4 is on the minus strand). VCF-style: chr19-4511782-T-C. GRCh37 (hg19) VCF-style: chr19-4511794-T-C.
Other names: c.2181A>G, p.Leu727= (NM_001393888.1, NM_001393889.1); c.2178A>G, p.Leu726= (NM_001393890.1, NM_001393891.1).
Identifiers: ClinVar variation 3388092 (VCV003388092.14).
Genomic context (GRCh38, chr19:4,511,782, plus strand): 5'-CCCTTTGGCCACATTCGCAGCACCGGTCACCCCACTGCAGACGGTGTCCTTGGTACCAGT[T>C]AGGACAGTCTTGGTGGTGTCCACACTGGTCTGGACAGTCCCTTTGGCGACATTCACTGCC-3'
Protein context (NP_001354797.1, residues 716-736): QTSVDTTKTV[Leu726=]TGTKDTVCSG